The following is an entry in ClinVar:

ClinVar aggregate classification (germline): Uncertain significance (1 of 4 stars; one submission).

Submission:

GeneDx
Classification: Uncertain significance. Last evaluated: 2025-06-14. Review status: criteria provided, single submitter. Criteria: GeneDx Variant Classification Process June 2021. Collection method: clinical testing. Allele origin: germline. Affected: yes.
Comment: Not observed at significant frequency in large population cohorts (gnomAD); In-frame insertion of 1 amino acid(s) in a non-repeat region; Has not been previously published as pathogenic or benign to our knowledge

NM_001170629.2(CHD8):c.2581_2582insTTC (p.Gly860_Pro861insLeu)

Gene: CHD8 (chromodomain helicase DNA binding protein 8; minus strand). Cytogenetic location: 14q11.2.
Variant type: Insertion.
Coding change: c.2581_2582insTTC on transcript NM_001170629.2 (MANE Select); coding-DNA positions 2581 to 2582, TTC inserted.
Protein change: p.Gly860_Pro861insLeu.
Genome position: GRCh38 VCF-style: chr14-21408460-G-GGAA. GRCh37 (hg19) VCF-style: chr14-21876619-G-GGAA.
Other names: c.1744_1745insTTC, p.Gly581_Pro582insLeu (NM_020920.4).
Identifiers: ClinVar variation 4538106 (VCV004538106.1).